The following is an entry in ClinVar:

ClinVar aggregate classification (germline): Uncertain significance. Review status: criteria provided, single submitter (1 of 4 stars). 2 submissions from 2 submitters: Uncertain significance (1). 1 of the submissions does not count toward it. Last evaluated 2024-04-14.

Conditions:
Recurrent fever. Also called: Episodic fever. Identifiers: MedGen C3714772, HP:0001954.
Familial cold autoinflammatory syndrome 3 (FCAS3). Also called: FAMILIAL ATYPICAL COLD URTICARIA; ANTIBODY DEFICIENCY AND IMMUNE DYSREGULATION, PLCG2-ASSOCIATED. Identifiers: Orphanet 300359, MedGen C3280914, MONDO:0013766, OMIM 614468.

Submissions (2):

Labcorp Genetics (formerly Invitae), Labcorp
Classification: Uncertain significance for Familial cold autoinflammatory syndrome 3. Last evaluated: 2024-04-14. Review status: criteria provided, single submitter. Criteria: Invitae Variant Classification Sherloc (09022015). Collection method: clinical testing. Allele origin: germline.
Comment: This sequence change replaces glutamic acid, which is acidic and polar, with aspartic acid, which is acidic and polar, at codon 738 of the PLCG2 protein (p.Glu738Asp). This variant is not present in population databases (gnomAD no frequency). This variant has not been reported in the literature in individuals affected with PLCG2-related conditions. ClinVar contains an entry for this variant (Variation ID: 1224305). An algorithm developed to predict the effect of missense changes on protein structure and function (PolyPhen-2) suggests that this variant is likely to be tolerated. In summary, the available evidence is currently insufficient to determine the role of this variant in disease. Therefore, it has been classified as a Variant of Uncertain Significance.

Center for Human Genetics and Genomic Medicine, Uniklinik Rwth Aachen
Classification: Uncertain significance for Recurrent fever. Last evaluated: 2021-09-03. Review status: no assertion criteria provided. Collection method: clinical testing. Allele origin: germline. Inheritance: Autosomal dominant inheritance. Affected: yes. Observed: 1 heterozygote. Not counted in ClinVar's aggregate classification.

NM_002661.5(PLCG2):c.2214G>T (p.Glu738Asp)

Gene: PLCG2 (phospholipase C gamma 2; plus strand). Cytogenetic location: 16q23.3.
Variant type: single nucleotide variant.
Coding change: c.2214G>T on transcript NM_002661.5 (MANE Select); coding-DNA position 2214, G replaced by T.
Protein change: p.Glu738Asp; replaces glutamic acid 738 with aspartic acid.
Molecular consequence: missense variant.
Genome position (GRCh38, 1-based): chr16:81,919,643, G>T. VCF-style: chr16-81919643-G-T. GRCh37 (hg19) VCF-style: chr16-81953248-G-T.
Other names: short protein forms E738D.
Identifiers: ClinVar variation 1224305 (VCV001224305.5), dbSNP rs750799204, ClinGen allele CA285164866.
Genomic context (GRCh38, chr16:81,919,643, plus strand): 5'-TTACTACGAGAAGCATTCACTCTACCGAAAGATGAGACTGCGCTACCCCGTGACCCCCGA[G>T]CTCCTGGAGCGCTACAATATGGTAGGTGGTGGACTCCCTTGTGATTTGGTGGGATTTCTT-3'
Protein context (NP_002652.2, residues 728-748): KMRLRYPVTP[Glu738Asp]LLERYNMERD